The following is an entry in ClinVar:

ClinVar aggregate classification (germline): Uncertain significance (1 of 4 stars; one submission).

Conditions:
Mucopolysaccharidosis, MPS-III-A (MPS3A). Also called: HEPARAN SULFATE SULFATASE DEFICIENCY; SANFILIPPO SYNDROME A; SULFAMIDASE DEFICIENCY; MPS III A; Mucopolysaccharidosis type IIIA (Sanfilippo A); Mucopolysaccharidosis, type IIIA. Identifiers: Orphanet 581, Orphanet 79269, MedGen C0086647, MONDO:0009655, OMIM 252900.

Allele frequency attached by ClinVar (database versions not stated): TOPMed 0.00001; gnomAD 0.00001.

Submission:

Labcorp Genetics (formerly Invitae), Labcorp
Classification: Uncertain significance for Mucopolysaccharidosis, MPS-III-A. Last evaluated: 2022-04-24. Review status: criteria provided, single submitter. Criteria: Invitae Variant Classification Sherloc (09022015). Collection method: clinical testing. Allele origin: germline.
Comment: This sequence change replaces proline, which is neutral and non-polar, with leucine, which is neutral and non-polar, at codon 4 of the SGSH protein (p.Pro4Leu). This variant is not present in population databases (gnomAD no frequency). This variant has not been reported in the literature in individuals affected with SGSH-related conditions. Algorithms developed to predict the effect of missense changes on protein structure and function output the following: SIFT: "Tolerated"; PolyPhen-2: "Not Available"; Align-GVGD: "Class C0". The leucine amino acid residue is found in multiple mammalian species, which suggests that this missense change does not adversely affect protein function. In summary, the available evidence is currently insufficient to determine the role of this variant in disease. Therefore, it has been classified as a Variant of Uncertain Significance.

NM_000199.5(SGSH):c.11C>T (p.Pro4Leu)

Genes: SGSH (N-sulfoglucosamine sulfohydrolase; minus strand), LOC130061900 (ATAC-STARR-seq lymphoblastoid silent region 9102; plus strand). Cytogenetic location: 17q25.3.
Variant type: single nucleotide variant.
Coding change: c.11C>T on transcript NM_000199.5 (MANE Select); coding-DNA position 11, C replaced by T.
Protein change: p.Pro4Leu; replaces proline 4 with leucine.
Molecular consequence: missense variant. On other transcripts: non-coding transcript variant (1).
Genome position (GRCh38, 1-based): chr17:80,220,303, G>A on the plus strand (C>T on the coding strand, the complement: SGSH is on the minus strand). VCF-style: chr17-80220303-G-A. GRCh37 (hg19) VCF-style: chr17-78194102-G-A.
Other names: c.11C>T, p.Pro4Leu (NM_001352921.3, NM_001352922.2); short protein forms P4L.
Identifiers: ClinVar variation 1977990 (VCV001977990.2), dbSNP rs1044472693, ClinGen allele CA294901194.
Genomic context (GRCh38, chr17:80,220,303, plus strand): 5'-TTCCGGGGACGCGCCCGGCAGAGCCCCAGGACTAGCAGCAGCGCGCAGCAGGCGGGCACG[G>A]GGCAGCTCATGGCGGCGGCGGCTCGGACTCGGGATCGGGATCCGGCTCCGGCTCTCTGGT-3'
Protein context (NP_000190.1, residues 1-14): MSC[Pro4Leu]VPACCALLLV